The following is an entry in ClinVar:

NM_016239.4(MYO15A):c.3790C>G (p.Pro1264Ala)

Gene: MYO15A (myosin XVA; plus strand). Cytogenetic location: 17p11.2.
Variant type: single nucleotide variant.
Coding change: c.3790C>G on transcript NM_016239.4 (MANE Select); coding-DNA position 3790, C replaced by G.
Protein change: p.Pro1264Ala; replaces proline 1264 with alanine.
Molecular consequence: missense variant.
Genome position (GRCh38, 1-based): chr17:18,126,380, C>G. VCF-style: chr17-18126380-C-G. GRCh37 (hg19) VCF-style: chr17-18029694-C-G.
Other names: short protein forms P1264A.
Identifiers: ClinVar variation 4292045 (VCV004292045.1).

ClinVar aggregate classification (germline): Uncertain significance (1 of 4 stars; one submission).

Conditions:
Autosomal recessive nonsyndromic hearing loss 3. Also called: NEUROSENSORY NONSYNDROMIC RECESSIVE DEAFNESS 3. Identifiers: Orphanet 90636, MedGen C1838263, MONDO:0010860, OMIM 600316.

Submission:

3billion
Classification: Uncertain significance for Autosomal recessive nonsyndromic hearing loss 3. Last evaluated: 2024-11-25. Review status: criteria provided, single submitter. Criteria: ACMG Guidelines, 2015. Collection method: clinical testing. Allele origin: germline. Affected: yes.
Comment: The variant is not observed in the gnomAD v4.1.0 dataset. Predicted Consequence/Location: Missense variant. The majority of the known disease-causing variants of this gene are variants expected to result in premature termination of the protein. In silico tool predictions suggest damaging effect of the variant on gene or gene product [REVEL: 0.95 (>=0.6, sensitivity 0.68 and specificity 0.92); 3Cnet: 0.03 (>=0.6, sensitivity 0.72 and precision 0.9)]. Therefore, this variant is classified as VUS according to the recommendation of ACMG/AMP guideline.